The following is an entry in ClinVar:

ClinVar aggregate classification (germline): Uncertain significance. Review status: reviewed by expert panel (3 of 4 stars). 4 submissions from 4 submitters: Uncertain significance (1). 3 of the submissions do not count toward it. Last evaluated 2024-08-12.

Conditions:
Hereditary von Willebrand disease. Identifiers: Orphanet 903, MedGen C5703318, MONDO:0019565. Inheritance: Autosomal recessive or Autosomal dominant.

Allele frequency attached by ClinVar (database versions not stated): ExAC 0.00001; gnomAD 0.00001; TOPMed 0.00001.
gnomAD v4.1: 21 of 1,613,826 alleles (0.0013%); highest among the groups gnomAD compares: South Asian, 0.0022%; no homozygotes.

Submissions (4):

ClinGen von Willebrand Disease Variant Curation Expert Panel, ClinGen
Classification: Uncertain significance for Hereditary von Willebrand disease. Last evaluated: 2024-08-12. Review status: reviewed by expert panel. Criteria: ClinGen VWD 2A B M Rules. Collection method: curation. Allele origin: germline. Inheritance: Autosomal dominant inheritance.
Comment: NM_000552.5(VWF):c.3788C>T is a missense variant in VWF predicted to encode substitution of serine by leucine at amino acid 1263. The Grpmax filtering allele frequency in gnomAD v4.1 is 0.000008780 (based on 2/91076 alleles in the South Asian population), which is lower than the ClinGen VWD VCEP threshold of <0.0001 (PM2_Supporting). The computational predictor REVEL gives a score of 0.143, which is below the ClinGen VWD VCEP PP3 threshold of <0.290 and does not predict a damaging effect on VWF function (BP4). Additionally, the computational splicing predictor SpliceAI indicates that the variant has no impact on splicing. At least 2 patients with this variant have been reported, only 1 of whom displayed excessive mucocutaneous bleeding as well as a laboratory phenotype of low VWF:RCo/VWF:Ag ratio, which together are specific for VWD type 2M (PP4, PMID: 28971901). Both reported patients exhibited low FVIII activity relative to VWF antigen, leading one to be diagnosed with VWD Type 1-2N (PMID: 22315491). This variant is classified as a variant of unknown significance for VWD based on the ACMG/AMP criteria applied, as specified by the ClinGen VWD VCEP: PP4, PM2_Supporting, BP4.

ARUP Laboratories, Molecular Genetics and Genomics, ARUP Laboratories
Classification: Uncertain significance. Last evaluated: 2025-07-24. Review status: criteria provided, single submitter. Criteria: ARUP Molecular Germline Variant Investigation Process 2024. Collection method: clinical testing. Allele origin: germline. Not counted in ClinVar's aggregate classification.
Comment: The VWF c.3788C>T; p.Ser1263Leu variant (rs758991219, ClinVar Variation ID: 1703401) is reported in the literature in an individual affected with von Willebrand disease type 2M (VWD; Borras 2017) and in an individual with VWD type 1-2N (Corrales 2012). This variant is only observed on two alleles in the Genome Aggregation Database (v2.1.1), indicating it is not a common polymorphism. Computational analyses predict that this variant is neutral (REVEL: 0.143). Due to limited information, the clinical significance of this variant is uncertain at this time. References: Borras N et al. Molecular and clinical profile of von Willebrand disease in Spain (PCM-EVW-ES): comprehensive genetic analysis by next-generation sequencing of 480 patients. Haematologica. 2017 Dec;102(12):2005-2014. PMID: 28971901. Corrales I et al. High-throughput molecular diagnosis of von Willebrand disease by next generation sequencing methods. Haematologica. 2012 Jul;97(7):1003-7. PMID: 22315491.

GeneDx
Classification: Uncertain significance. Last evaluated: 2022-02-23. Review status: criteria provided, single submitter. Criteria: GeneDx Variant Classification Process June 2021. Collection method: clinical testing. Allele origin: germline. Affected: yes. Not counted in ClinVar's aggregate classification.
Comment: Reported in the heterozygous state in a patient with von Willebrand disease in the published literature (Corrales et al., 2012); Not observed at significant frequency in large population cohorts (gnomAD); In silico analysis supports that this missense variant does not alter protein structure/function; This variant is associated with the following publications: (PMID: 22315491)

Genetics and Molecular Pathology, SA Pathology
Classification: Uncertain significance for Hereditary von Willebrand disease. Last evaluated: 2020-11-16. Review status: criteria provided, single submitter. Criteria: ACMG Guidelines, 2015. Collection method: clinical testing. Allele origin: germline. Affected: yes. Not counted in ClinVar's aggregate classification.

NM_000552.5(VWF):c.3788C>T (p.Ser1263Leu)

Gene: VWF (von Willebrand factor; minus strand). Cytogenetic location: 12p13.31.
Variant type: single nucleotide variant.
Coding change: c.3788C>T on transcript NM_000552.5 (MANE Select); coding-DNA position 3788, C replaced by T.
Protein change: p.Ser1263Leu; replaces serine 1263 with leucine.
Molecular consequence: missense variant.
Genome position (GRCh38, 1-based): chr12:6,019,630, G>A on the plus strand (C>T on the coding strand, the complement: VWF is on the minus strand). VCF-style: chr12-6019630-G-A. GRCh37 (hg19) VCF-style: chr12-6128796-G-A.
Other names: NM_000552.5(VWF):c.3788C>T; p.Ser1263Leu; c.3788C>T (NM_000552.4); short protein forms S1263L.
Identifiers: ClinVar variation 1703401 (VCV001703401.6), dbSNP rs758991219, ClinGen allele CA6402670.
Genomic context (GRCh38, chr12:6,019,630, plus strand): 5'-TCCAGCAGGAAGACCAGGTCCAGTAGCCTGCTGCAGTAGAAATCGTGCAACGGCGGTTCC[G>A]AGATGTCCTCCACATACAGAGTGGTGGGGCTCACCGGGGCATCTGTGGGAGGCACCACCA-3'
Protein context (NP_000543.3, residues 1253-1273): SPTTLYVEDI[Ser1263Leu]EPPLHDFYCS